The following is an entry in ClinVar:

NM_002880.4(RAF1):c.790C>G (p.His264Asp)

Gene: RAF1 (Raf-1 proto-oncogene, serine/threonine kinase; minus strand). Cytogenetic location: 3p25.2.
Variant type: single nucleotide variant.
Coding change: c.790C>G on transcript NM_002880.4 (MANE Select); coding-DNA position 790, C replaced by G.
Protein change: p.His264Asp; replaces histidine 264 with aspartic acid.
Molecular consequence: missense variant. On other transcripts: non-coding transcript variant (3).
Genome position (GRCh38, 1-based): chr3:12,604,180, G>C on the plus strand (C>G on the coding strand, the complement: RAF1 is on the minus strand). VCF-style: chr3-12604180-G-C. GRCh37 (hg19) VCF-style: chr3-12645679-G-C.
Other names: c.547C>G, p.His183Asp (NM_001354691.3, NM_001354692.3, NM_001354694.3); c.691C>G, p.His231Asp (NM_001354693.3); c.448C>G, p.His150Asp (NM_001354695.3); c.790C>G, p.His264Asp (NM_001354689.3, NM_001354690.3); short protein forms H231D, H150D, H264D, H183D.
Identifiers: ClinVar variation 2765942 (VCV002765942.3), dbSNP rs2125397450, ClinGen allele CA351512296.

ClinVar aggregate classification (germline): Uncertain significance (1 of 4 stars; one submission).

Conditions:
RASopathy. Also called: rasopathies; Noonan spectrum disorder. Identifiers: Orphanet 536391, MedGen C5555857, MONDO:0021060.

Submission:

Labcorp Genetics (formerly Invitae), Labcorp
Classification: Uncertain significance for RASopathy. Last evaluated: 2023-10-05. Review status: criteria provided, single submitter. Criteria: Invitae Variant Classification Sherloc (09022015). Collection method: clinical testing. Allele origin: germline.
Comment: This sequence change replaces histidine, which is basic and polar, with aspartic acid, which is acidic and polar, at codon 264 of the RAF1 protein (p.His264Asp). This variant is not present in population databases (gnomAD no frequency). This variant has not been reported in the literature in individuals affected with RAF1-related conditions. Advanced modeling of protein sequence and biophysical properties (such as structural, functional, and spatial information, amino acid conservation, physicochemical variation, residue mobility, and thermodynamic stability) performed at Invitae indicates that this missense variant is expected to disrupt RAF1 protein function. In summary, the available evidence is currently insufficient to determine the role of this variant in disease. Therefore, it has been classified as a Variant of Uncertain Significance.